The following is an entry in ClinVar:

ClinVar aggregate classification (germline): Likely pathogenic (1 of 4 stars; one submission).

Conditions:
Renal cysts and diabetes syndrome (RCAD). Also called: Familial hypoplastic, glomerulocystic kidney; MATURITY-ONSET DIABETES OF THE YOUNG, TYPE 5. Identifiers: Orphanet 93111, MedGen C0431693, MONDO:0007669, OMIM 137920.

Submission:

Institute of Human Genetics, FAU Erlangen, Friedrich-Alexander-Universität Erlangen-Nürnberg
Classification: Likely pathogenic for Renal cysts and diabetes syndrome. Last evaluated: 2019-07-06. Review status: criteria provided, single submitter. Criteria: ACMG Guidelines, 2015. Collection method: literature only. Allele origin: germline. Affected: yes.
Comment: This variant and it's classification has been reported by Vasileiou et al. 2019; DOI:10.1101/576918. The variants has previously been reported in DOI:10.1093/ckj/sfy102 as "c.513G>C; P.Trp171Cys " with clinical significance Pathogenic. It has been re-classified using InterVar and manual curation as Likely pathogenic based on PM1 PM2 PM5 PP3 PP5.

Literature cited by the submitters: DOI 10.1093/ckj/sfy102; DOI 10.1101/576918.

NM_000458.4(HNF1B):c.513G>C (p.Trp171Cys)

Gene: HNF1B (HNF1 homeobox B; minus strand). Cytogenetic location: 17q12.
Variant type: single nucleotide variant.
Coding change: c.513G>C on transcript NM_000458.4 (MANE Select); coding-DNA position 513, G replaced by C.
Protein change: p.Trp171Cys; replaces tryptophan 171 with cysteine.
Molecular consequence: missense variant.
Genome position (GRCh38, 1-based): chr17:37,739,471, C>G on the plus strand (G>C on the coding strand, the complement: HNF1B is on the minus strand). VCF-style: chr17-37739471-C-G. GRCh37 (hg19) VCF-style: chr17-36099462-C-G.
Other names: c.513G>C, p.Trp171Cys (NM_001165923.4, NM_001304286.2); short protein forms W171C.
Identifiers: ClinVar variation 635679 (VCV000635679.1), dbSNP rs1568670533, ClinGen allele CA398751159.